The following is an entry in ClinVar:

ClinVar aggregate classification (germline): Conflicting classifications of pathogenicity. Review status: criteria provided, conflicting classifications (1 of 4 stars). 4 submissions from 4 submitters: Uncertain significance (1); Likely benign (3). Last evaluated 2025-10-01.

Conditions:
Early-infantile DEE. Also called: Ohtahara syndrome; Early infantile epileptic encephalopathy with suppression bursts; Early infantile epileptic encephalopathy. Identifiers: Orphanet 1934, MedGen C0393706, MONDO:0800491.

Allele frequency attached by ClinVar (database versions not stated): gnomAD 0.00001.
gnomAD v4.1: 21 of 1,571,034 alleles (0.0013%); highest among the groups gnomAD compares: Middle Eastern, 0.017%; no homozygotes.

Submissions (4):

Labcorp Genetics (formerly Invitae), Labcorp
Classification: Likely benign for Early-infantile DEE. Last evaluated: 2025-10-01. Review status: criteria provided, single submitter. Criteria: Invitae Variant Classification Sherloc (09022015). Collection method: clinical testing. Allele origin: germline.

Blueprint Genetics
Classification: Likely benign. Last evaluated: 2024-07-05. Review status: criteria provided, single submitter. Criteria: ACMG Guidelines, 2015. Collection method: clinical testing. Allele origin: germline.

GeneDx
Classification: Likely benign. Last evaluated: 2018-01-19. Review status: criteria provided, single submitter. Criteria: GeneDx Variant Classification (06012015). Collection method: clinical testing. Allele origin: germline. Affected: yes.
Comment: This variant is considered likely benign or benign based on one or more of the following criteria: it is a conservative change, it occurs at a poorly conserved position in the protein, it is predicted to be benign by multiple in silico algorithms, and/or has population frequency not consistent with disease.

Eurofins Ntd Llc (ga)
Classification: Uncertain significance. Last evaluated: 2015-08-21. Review status: criteria provided, single submitter. Criteria: EGL Classification Definitions 2015. Collection method: clinical testing. Allele origin: germline. Observed: 1 variant allele, 1 heterozygote.

NM_172107.4(KCNQ2):c.1209C>T (p.Leu403=)

Gene: KCNQ2 (potassium voltage-gated channel subfamily Q member 2; minus strand). Cytogenetic location: 20q13.33.
Variant type: single nucleotide variant.
Coding change: c.1209C>T on transcript NM_172107.4 (MANE Select); coding-DNA position 1209, C replaced by T.
Protein change: p.Leu403=; no amino-acid change (leucine 403 retained).
Molecular consequence: synonymous variant.
Genome position (GRCh38, 1-based): chr20:63,428,375, G>A on the plus strand (C>T on the coding strand, the complement: KCNQ2 is on the minus strand). VCF-style: chr20-63428375-G-A. GRCh37 (hg19) VCF-style: chr20-62059728-G-A.
Other names: c.1179C>T, p.Leu393= (NM_004518.6); c.1209C>T, p.Leu403= (NM_172106.3, NM_172108.5).
Identifiers: ClinVar variation 282749 (VCV000282749.17), dbSNP rs752280961, ClinGen allele CA10604283.